The following is an entry in ClinVar:

ClinVar aggregate classification (germline): Uncertain significance. Review status: criteria provided, multiple submitters, no conflicts (2 of 4 stars). 3 submissions from 3 submitters: Uncertain significance (3). Last evaluated 2025-04-12.

Conditions:
Cardiovascular phenotype. Identifiers: MedGen CN230736.
Dilated cardiomyopathy 1JJ (CMD1JJ). Identifiers: Orphanet 154, MedGen C3808935, MONDO:0014095, OMIM 615235.

Allele frequency attached by ClinVar (database versions not stated): TOPMed below 0.00001; ExAC 0.00001; gnomAD 0.00001; ESP Exome Variant Server 0.00008.
gnomAD v4.1: 2 of 1,613,180 alleles (0.00012%); highest among the groups gnomAD compares: Non-Finnish European, 0.00017%; no homozygotes.

Submissions (3):

Ambry Genetics
Classification: Uncertain significance for Cardiovascular phenotype. Last evaluated: 2025-04-12. Review status: criteria provided, single submitter. Criteria: Ambry Variant Classification Scheme 2023. Collection method: clinical testing. Allele origin: germline.
Comment: The p.K1329N variant (also known as c.3987G>C), located in coding exon 29 of the LAMA4 gene, results from a G to C substitution at nucleotide position 3987. The lysine at codon 1329 is replaced by asparagine, an amino acid with similar properties. This amino acid position is conserved. In addition, this alteration is predicted to be tolerated by in silico analysis. Based on the available evidence, the clinical significance of this variant remains unclear.

Labcorp Genetics (formerly Invitae), Labcorp
Classification: Uncertain significance for Dilated cardiomyopathy 1JJ. Last evaluated: 2024-11-05. Review status: criteria provided, single submitter. Criteria: Invitae Variant Classification Sherloc (09022015). Collection method: clinical testing. Allele origin: germline.
Comment: This sequence change replaces lysine, which is basic and polar, with asparagine, which is neutral and polar, at codon 1329 of the LAMA4 protein (p.Lys1329Asn). This variant is present in population databases (rs373047072, gnomAD 0.0009%). This variant has not been reported in the literature in individuals affected with LAMA4-related conditions. ClinVar contains an entry for this variant (Variation ID: 1047104). Invitae Evidence Modeling of protein sequence and biophysical properties (such as structural, functional, and spatial information, amino acid conservation, physicochemical variation, residue mobility, and thermodynamic stability) indicates that this missense variant is not expected to disrupt LAMA4 protein function with a negative predictive value of 80%. In summary, the available evidence is currently insufficient to determine the role of this variant in disease. Therefore, it has been classified as a Variant of Uncertain Significance.

Fulgent Genetics
Classification: Uncertain significance for Dilated cardiomyopathy 1JJ. Last evaluated: 2021-07-12. Review status: criteria provided, single submitter. Criteria: ACMG Guidelines, 2015. Collection method: clinical testing. Allele origin: unknown.

NM_001105206.3(LAMA4):c.4008G>C (p.Lys1336Asn)

Gene: LAMA4 (laminin subunit alpha 4; minus strand). Cytogenetic location: 6q21.
Variant type: single nucleotide variant.
Coding change: c.4008G>C on transcript NM_001105206.3 (MANE Select); coding-DNA position 4008, G replaced by C.
Protein change: p.Lys1336Asn; replaces lysine 1336 with asparagine.
Molecular consequence: missense variant.
Genome position (GRCh38, 1-based): chr6:112,130,001, C>G on the plus strand (G>C on the coding strand, the complement: LAMA4 is on the minus strand). VCF-style: chr6-112130001-C-G. GRCh37 (hg19) VCF-style: chr6-112451203-C-G.
Other names: c.3987G>C, p.Lys1329Asn (NM_001105207.3, NM_002290.5); c.3987G>C (NM_002290.3); short protein forms K1329N, K1336N.
Identifiers: ClinVar variation 1047104 (VCV001047104.10), dbSNP rs373047072, ClinGen allele CA3965072.